The following is an entry in ClinVar:

ClinVar aggregate classification (germline): Pathogenic (1 of 4 stars; one submission).

Conditions:
Congenital disorder of deglycosylation (CDDG). Identifiers: MedGen C3808991, MONDO:0031376.

Submission:

Labcorp Genetics (formerly Invitae), Labcorp
Classification: Pathogenic for Congenital disorder of deglycosylation. Last evaluated: 2023-02-07. Review status: criteria provided, single submitter. Criteria: Invitae Variant Classification Sherloc (09022015). Collection method: clinical testing. Allele origin: germline.
Comment: This sequence change creates a premature translational stop signal (p.Tyr185*) in the NGLY1 gene. It is expected to result in an absent or disrupted protein product. Loss-of-function variants in NGLY1 are known to be pathogenic (PMID: 24651605). This variant is not present in population databases (gnomAD no frequency). This variant has not been reported in the literature in individuals affected with NGLY1-related conditions. For these reasons, this variant has been classified as Pathogenic.

Literature cited by the submitters: PubMed 24651605.

NM_018297.4(NGLY1):c.555T>A (p.Tyr185Ter)

Gene: NGLY1 (N-glycanase 1; minus strand). Cytogenetic location: 3p24.2.
Variant type: single nucleotide variant.
Coding change: c.555T>A on transcript NM_018297.4 (MANE Select); coding-DNA position 555, T replaced by A.
Protein change: p.Tyr185Ter; replaces tyrosine 185 with a stop codon.
Molecular consequence: nonsense.
Genome position (GRCh38, 1-based): chr3:25,751,201, A>T on the plus strand (T>A on the coding strand, the complement: NGLY1 is on the minus strand). VCF-style: chr3-25751201-A-T. GRCh37 (hg19) VCF-style: chr3-25792692-A-T.
Other names: c.555T>A, p.Tyr185Ter (NM_001145293.2, NM_001145295.2); c.429T>A, p.Tyr143Ter (NM_001145294.2); short protein forms Y143*, Y185*.
Identifiers: ClinVar variation 2834988 (VCV002834988.3), dbSNP rs2470600721, ClinGen allele CA351906145.